The following is an entry in ClinVar:

NM_001394998.1(TANC2):c.3549C>T (p.Ser1183=)

Genes: TANC2 (tetratricopeptide repeat, ankyrin repeat and coiled-coil containing 2; plus strand), LOC105371856 (uncharacterized LOC105371856; minus strand). Cytogenetic location: 17q23.3.
Variant type: single nucleotide variant.
Coding change: c.3549C>T on transcript NM_001394998.1 (MANE Select); coding-DNA position 3549, C replaced by T.
Protein change: p.Ser1183=; no amino-acid change (serine 1183 retained).
Molecular consequence: synonymous variant.
Genome position (GRCh38, 1-based): chr17:63,406,237, C>T. VCF-style: chr17-63406237-C-T. GRCh37 (hg19) VCF-style: chr17-61483598-C-T.
Other names: c.3327C>T, p.Ser1109= (NM_025185.4).
Identifiers: ClinVar variation 1299810 (VCV001299810.36), dbSNP rs138962211, ClinGen allele CA8698018.

ClinVar aggregate classification (germline): Benign/Likely benign. Review status: criteria provided, multiple submitters, no conflicts (2 of 4 stars). 4 submissions from 4 submitters: Benign (1); Likely benign (1). 2 of the submissions do not count toward it. Last evaluated 2026-09-01.

Allele frequency attached by ClinVar (database versions not stated): 1000 Genomes Project 0.00060; 1000 Genomes Project 30x 0.00078; gnomAD exomes 0.00199 and 0.00385; TOPMed 0.00211; ExAC 0.00219; gnomAD 0.00230 and 0.00241; ESP Exome Variant Server 0.00286.
gnomAD v4.1: 5,878 of 1,613,914 alleles (0.36%); highest among the groups gnomAD compares: Non-Finnish European, 0.47%; 13 homozygotes.

Submissions (4):

CeGaT Center for Human Genetics Tuebingen
Classification: Benign. Last evaluated: 2026-09-01. Review status: criteria provided, single submitter. Criteria: CeGaT Center For Human Genetics Tuebingen Variant Classification Criteria Version 2. Collection method: clinical testing. Allele origin: germline. Affected: yes. Observed: 31 variant alleles.
Comment: TANC2: BP4, BP7, BS1, BS2

Blueprint Genetics
Classification: Likely benign. Last evaluated: 2024-11-25. Review status: criteria provided, single submitter. Criteria: ACMG Guidelines, 2015. Collection method: clinical testing. Allele origin: germline.

Clinical Genetics DNA and cytogenetics Diagnostics Lab, Erasmus MC, Erasmus Medical Center
Classification: Likely benign. Review status: no assertion criteria provided. Collection method: clinical testing. Allele origin: germline. Affected: yes. Study: VKGL Data-share Consensus. Not counted in ClinVar's aggregate classification.

Genome Diagnostics Laboratory, University Medical Center Utrecht
Classification: Likely benign. Review status: no assertion criteria provided. Collection method: clinical testing. Allele origin: germline. Affected: yes. Study: VKGL Data-share Consensus. Not counted in ClinVar's aggregate classification.